The following is an entry in ClinVar:

ClinVar aggregate classification (germline): Uncertain significance (1 of 4 stars; one submission).

Conditions:
Developmental and epileptic encephalopathy, 34 (DEE34). Also called: SLC12A5-Related Epilepsy of Infancy with Migrating Focal Seizures; Early infantile epileptic encephalopathy 34. Identifiers: Orphanet 293181, MedGen C4225257, MONDO:0014718, OMIM 616645.

gnomAD v4.1: 3 of 1,549,514 alleles (0.00019%); highest among the groups gnomAD compares: Non-Finnish European, 0.00026%; no homozygotes.

Submission:

Labcorp Genetics (formerly Invitae), Labcorp
Classification: Uncertain significance for Developmental and epileptic encephalopathy, 34. Last evaluated: 2021-08-24. Review status: criteria provided, single submitter. Criteria: Invitae Variant Classification Sherloc (09022015). Collection method: clinical testing. Allele origin: germline.
Comment: This sequence change replaces aspartic acid with glutamic acid at codon 7 of the SLC12A5 protein (p.Asp7Glu). The aspartic acid residue is weakly conserved and there is a small physicochemical difference between aspartic acid and glutamic acid. The frequency data for this variant in the population databases is considered unreliable, as metrics indicate insufficient coverage at this position in the ExAC database. This variant has not been reported in the literature in individuals affected with SLC12A5-related conditions. Algorithms developed to predict the effect of missense changes on protein structure and function (SIFT, PolyPhen-2, Align-GVGD) all suggest that this variant is likely to be tolerated. In summary, the available evidence is currently insufficient to determine the role of this variant in disease. Therefore, it has been classified as a Variant of Uncertain Significance.

NM_020708.5(SLC12A5):c.21C>A (p.Asp7Glu)

Gene: SLC12A5 (solute carrier family 12 member 5; plus strand). Cytogenetic location: 20q13.12.
Variant type: single nucleotide variant.
Coding change: c.21C>A on transcript NM_020708.5 (MANE Select); coding-DNA position 21, C replaced by A.
Protein change: p.Asp7Glu; replaces aspartic acid 7 with glutamic acid.
Molecular consequence: missense variant. On other transcripts: intron variant (1).
Genome position (GRCh38, 1-based): chr20:46,029,365, C>A. VCF-style: chr20-46029365-C-A. GRCh37 (hg19) VCF-style: chr20-44658004-C-A.
Other names: c.122-5583C>A (NM_001134771.2); short protein forms D7E.
Identifiers: ClinVar variation 1014711 (VCV001014711.6), dbSNP rs1411688611, ClinGen allele CA409232551.